The following is an entry in ClinVar:

ClinVar aggregate classification (germline): Conflicting classifications of pathogenicity. Review status: criteria provided, conflicting classifications (1 of 4 stars). 6 submissions from 6 submitters: Uncertain significance (1); Likely benign (5). Last evaluated 2025-07-03.

Conditions:
Dilated cardiomyopathy 1G (CMD1G). Identifiers: Orphanet 154, MedGen C1858763, MONDO:0011400, OMIM 604145.
Autosomal recessive limb-girdle muscular dystrophy type 2J (LGMDR10). Also called: Limb-girdle muscular dystrophy, type 2J; MUSCULAR DYSTROPHY, LIMB-GIRDLE, AUTOSOMAL RECESSIVE 10. Identifiers: Orphanet 140922, MedGen C1837342, MONDO:0012127, OMIM 608807.
Cardiovascular phenotype. Identifiers: MedGen CN230736.

Allele frequency attached by ClinVar (database versions not stated): TOPMed 0.00002; gnomAD 0.00003.
gnomAD v4.1: 18 of 1,613,880 alleles (0.0011%); highest among the groups gnomAD compares: Non-Finnish European, 0.0014%; no homozygotes.

Submissions (6):

Labcorp Genetics (formerly Invitae), Labcorp
Classification: Likely benign for Dilated cardiomyopathy 1G; Autosomal recessive limb-girdle muscular dystrophy type 2J. Last evaluated: 2025-07-03. Review status: criteria provided, single submitter. Criteria: Invitae Variant Classification Sherloc (09022015). Collection method: clinical testing. Allele origin: germline.

Molecular Diagnostic Laboratory for Inherited Cardiovascular Disease, Montreal Heart Institute
Classification: Likely benign. Last evaluated: 2025-04-09. Review status: criteria provided, single submitter. Criteria: ACMG Guidelines, 2015. Collection method: clinical testing. Allele origin: germline. Affected: no.

Blueprint Genetics
Classification: Likely benign. Last evaluated: 2024-03-11. Review status: criteria provided, single submitter. Criteria: ACMG Guidelines, 2015. Collection method: clinical testing. Allele origin: germline.

Revvity Omics, Revvity
Classification: Uncertain significance. Last evaluated: 2023-02-03. Review status: criteria provided, single submitter. Criteria: ACMG Guidelines, 2015. Collection method: clinical testing. Allele origin: germline.

Ambry Genetics
Classification: Likely benign for Cardiovascular phenotype. Last evaluated: 2020-05-27. Review status: criteria provided, single submitter. Criteria: Ambry Variant Classification Scheme 2023. Collection method: clinical testing. Allele origin: germline.

GeneDx
Classification: Likely benign. Last evaluated: 2017-03-10. Review status: criteria provided, single submitter. Criteria: GeneDx Variant Classification (06012015). Collection method: clinical testing. Allele origin: germline. Affected: yes.
Comment: This variant is considered likely benign or benign based on one or more of the following criteria: it is a conservative change, it occurs at a poorly conserved position in the protein, it is predicted to be benign by multiple in silico algorithms, and/or has population frequency not consistent with disease.

NM_001267550.2(TTN):c.104812C>T (p.Leu34938=)

Genes: TTN (titin; minus strand), TTN-AS1 (TTN antisense RNA 1; plus strand). Cytogenetic location: 2q31.2.
Variant type: single nucleotide variant.
Coding change: c.104812C>T on transcript NM_001267550.2 (MANE Select); coding-DNA position 104812, C replaced by T.
Protein change: p.Leu34938=; no amino-acid change (leucine 34938 retained).
Molecular consequence: synonymous variant.
Genome position (GRCh38, 1-based): chr2:178,531,803, G>A on the plus strand (C>T on the coding strand, the complement: TTN is on the minus strand). VCF-style: chr2-178531803-G-A. GRCh37 (hg19) VCF-style: chr2-179396530-G-A.
Other names: c.99889C>T, p.Leu33297= (NM_001256850.1); c.77617C>T, p.Leu25873= (NM_003319.4); c.97108C>T, p.Leu32370= (NM_133378.4); c.77992C>T, p.Leu25998= (NM_133432.3); c.78193C>T, p.Leu26065= (NM_133437.4).
Identifiers: ClinVar variation 506306 (VCV000506306.18), dbSNP rs755726554, ClinGen allele CA1985355.